The following is an entry in ClinVar:

NM_000051.4(ATM):c.7927+13del

Genes: ATM (ATM serine/threonine kinase; plus strand), C11orf65 (chromosome 11 open reading frame 65; minus strand). Cytogenetic location: 11q22.3.
Variant type: Deletion.
Coding change: c.7927+13del on transcript NM_000051.4 (MANE Select); 13 bases into the intron after coding-DNA position 7927, one base deleted (T; older notation c.7927+13delT).
Molecular consequence: intron variant.
Genome position (GRCh38, 1-based): chr11:108,332,913, T deleted; the last of 8 consecutive T bases (chr11:108,332,906-108,332,913); deleting any one gives the same sequence. VCF-style (leftmost placement, unchanged base first): chr11-108332905-GT-G. GRCh37 (hg19) VCF-style: chr11-108203632-GT-G.
Other names: c.7927+13delT (NM_000051.3); c.7927+13del (NM_001351834.2); c.641-23835del (NM_001330368.2); c.*38+2314del (NM_001351110.2).
Identifiers: ClinVar variation 422794 (VCV000422794.14), dbSNP rs587781324, ClinGen allele CA6266215.
Genomic context (GRCh38, chr11:108,332,905, plus strand): 5'-TGATGCTTATATTATATTAGCAAACTTAGATGCCACTCAGTGGAAGACTCAGAGAAGTAT[GT>G]TTTTTTTAAAGAAGAAACGTTACTTTCTTGCTGTGTTACTCTCTGTAGAGATATATTAGT-3'

ClinVar aggregate classification (germline): Benign/Likely benign. Review status: criteria provided, multiple submitters, no conflicts (2 of 4 stars). 4 submissions from 4 submitters: Benign (1); Likely benign (3). Last evaluated 2025-10-01.

Conditions:
Hereditary cancer-predisposing syndrome. Also called: Neoplastic Syndromes, Hereditary; Hereditary Cancer Syndrome; Tumor predisposition; Hereditary neoplastic syndrome. Identifiers: Orphanet 140162, MedGen C0027672, MeSH D009386, MONDO:0015356.
Familial cancer of breast. Also called: Hereditary breast cancer; BREAST CANCER, FAMILIAL; hereditary breast carcinoma. Identifiers: Orphanet 227535, MedGen C0346153, MONDO:0016419, OMIM 114480. Disease mechanism: loss of function.
Ataxia-telangiectasia syndrome (AT). Also called: LOUIS-BAR SYNDROME; Cerebello-oculocutaneous telangiectasia; Immunodeficiency with ataxia telangiectasia; Ataxia-telangiectasia, complementation group D; AT, COMPLEMENTATION GROUP C; Ataxia-telangiectasia, complementation group E. Identifiers: Orphanet 100, MedGen C0004135, MONDO:0008840, OMIM 208900.

Submissions (4):

Labcorp Genetics (formerly Invitae), Labcorp
Classification: Benign for Ataxia-telangiectasia syndrome. Last evaluated: 2025-10-01. Review status: criteria provided, single submitter. Criteria: Invitae Variant Classification Sherloc (09022015). Collection method: clinical testing. Allele origin: germline.

Department of Pathology and Laboratory Medicine, Sinai Health System
Classification: Likely benign for Familial cancer of breast; Ataxia-telangiectasia syndrome. Last evaluated: 2021-10-22. Review status: criteria provided, single submitter. Criteria: ACMG Guidelines, 2015. Collection method: clinical testing. Allele origin: germline.

GeneDx
Classification: Likely benign. Last evaluated: 2017-10-24. Review status: criteria provided, single submitter. Criteria: GeneDx Variant Classification (06012015). Collection method: clinical testing. Allele origin: germline. Affected: yes.
Comment: This variant is considered likely benign or benign based on one or more of the following criteria: it is a conservative change, it occurs at a poorly conserved position in the protein, it is predicted to be benign by multiple in silico algorithms, and/or has population frequency not consistent with disease.

Color Diagnostics, LLC DBA Color Health
Classification: Likely benign for Hereditary cancer-predisposing syndrome. Last evaluated: 2017-03-16. Review status: criteria provided, single submitter. Criteria: ACMG Guidelines, 2015. Collection method: clinical testing. Allele origin: germline.